The following is an entry in ClinVar:

NM_000038.6(APC):c.7932T>C (p.Ile2644=)

Gene: APC (APC regulator of Wnt signaling pathway; plus strand). Cytogenetic location: 5q22.2.
Variant type: single nucleotide variant.
Coding change: c.7932T>C on transcript NM_000038.6 (MANE Select); coding-DNA position 7932, T replaced by C.
Protein change: p.Ile2644=; no amino-acid change (isoleucine 2644 retained).
Molecular consequence: synonymous variant.
Genome position (GRCh38, 1-based): chr5:112,843,526, T>C. VCF-style: chr5-112843526-T-C. GRCh37 (hg19) VCF-style: chr5-112179223-T-C.
Other names: c.7932T>C, p.Ile2644= (NM_001127510.3, NM_001354895.2); c.7878T>C, p.Ile2626= (NM_001127511.3); c.7986T>C, p.Ile2662= (NM_001354896.2); c.7962T>C, p.Ile2654= (NM_001354897.2); c.7857T>C, p.Ile2619= (NM_001354898.2); c.7848T>C, p.Ile2616= (NM_001354899.2); c.7809T>C, p.Ile2603= (NM_001354900.2); c.7755T>C, p.Ile2585= (NM_001354901.2); and 5 more.
Identifiers: ClinVar variation 231410 (VCV000231410.63), dbSNP rs781734502, ClinGen allele CA10578456.

ClinVar aggregate classification (germline): Benign/Likely benign. Review status: criteria provided, multiple submitters, no conflicts (2 of 4 stars). 6 submissions from 6 submitters: Benign (1); Likely benign (4). 1 of the submissions does not count toward it. Last evaluated 2026-01-13.

Conditions:
APC-related disorder. Also called: APC-related condition.
Familial adenomatous polyposis 1 (FAP1). Also called: FAMILIAL ADENOMATOUS POLYPOSIS 1, ATTENUATED; POLYPOSIS, ADENOMATOUS INTESTINAL. Identifiers: MedGen C2713442, MONDO:0021056, OMIM 175100. Disease mechanism: loss of function.
Hereditary cancer-predisposing syndrome. Also called: Neoplastic Syndromes, Hereditary; Tumor predisposition; Hereditary Cancer Syndrome; Hereditary neoplastic syndrome. Identifiers: Orphanet 140162, MedGen C0027672, MeSH D009386, MONDO:0015356.

gnomAD v4.1: 50 of 1,613,778 alleles (0.0031%); highest among the groups gnomAD compares: Non-Finnish European, 0.0042%; no homozygotes.

Submissions (6):

Labcorp Genetics (formerly Invitae), Labcorp
Classification: Likely benign for Familial adenomatous polyposis 1. Last evaluated: 2026-01-13. Review status: criteria provided, single submitter. Criteria: Invitae Variant Classification Sherloc (09022015). Collection method: clinical testing. Allele origin: germline.

Myriad Genetics, Inc.
Classification: Benign for Familial adenomatous polyposis 1. Last evaluated: 2024-04-11. Review status: criteria provided, single submitter. Criteria: Myriad Autosomal Dominant, Autosomal Recessive and X-Linked Classification Criteria (2023). Collection method: clinical testing. Allele origin: unknown.
Comment: This variant is considered benign. This variant is a silent/synonymous amino acid change and it is not expected to impact splicing.

Color Diagnostics, LLC DBA Color Health
Classification: Likely benign for Hereditary cancer-predisposing syndrome. Last evaluated: 2022-01-02. Review status: criteria provided, single submitter. Criteria: ACMG Guidelines, 2015. Collection method: clinical testing. Allele origin: germline.

GeneDx
Classification: Likely benign. Last evaluated: 2020-07-27. Review status: criteria provided, single submitter. Criteria: GeneDx Variant Classification Process June 2021. Collection method: clinical testing. Allele origin: germline. Affected: yes.

Ambry Genetics
Classification: Likely benign for Hereditary cancer-predisposing syndrome. Last evaluated: 2015-04-24. Review status: criteria provided, single submitter. Criteria: Ambry Variant Classification Scheme 2023. Collection method: clinical testing. Allele origin: germline.

PreventionGenetics, part of Exact Sciences
Classification: Likely benign for APC-related condition. Last evaluated: 2020-11-10. Review status: no assertion criteria provided. Collection method: clinical testing. Allele origin: germline. Not counted in ClinVar's aggregate classification.
Comment: This variant is classified as likely benign based on ACMG/AMP sequence variant interpretation guidelines (Richards et al. 2015 PMID: 25741868, with internal and published modifications).